The following is an entry in ClinVar:

NM_004733.4(SLC33A1):c.1525G>A (p.Gly509Ser)

Gene: SLC33A1 (solute carrier family 33 member 1; minus strand). Cytogenetic location: 3q25.31.
Variant type: single nucleotide variant.
Coding change: c.1525G>A on transcript NM_004733.4 (MANE Select); coding-DNA position 1525, G replaced by A.
Protein change: p.Gly509Ser; replaces glycine 509 with serine.
Molecular consequence: missense variant.
Genome position (GRCh38, 1-based): chr3:155,828,335, C>T on the plus strand (G>A on the coding strand, the complement: SLC33A1 is on the minus strand). VCF-style: chr3-155828335-C-T. GRCh37 (hg19) VCF-style: chr3-155546124-C-T.
Other names: p.Gly509Ser; c.1525G>A, p.Gly509Ser (NM_001190992.2); c.1219G>A, p.Gly407Ser (NM_001363883.1); short protein forms G509S, G407S.
Identifiers: ClinVar variation 343874 (VCV000343874.65), dbSNP rs76440173, ClinGen allele CA2677216.

ClinVar aggregate classification (germline): Conflicting classifications of pathogenicity. Review status: criteria provided, conflicting classifications (1 of 4 stars). 9 submissions from 9 submitters: Uncertain significance (1); Benign (4); Likely benign (4). Last evaluated 2026-08-01.

Conditions:
Hereditary spastic paraplegia 42. Also called: SPASTIC PARAPLEGIA 42, AUTOSOMAL DOMINANT. Identifiers: Orphanet 171863, MedGen C2675528, MONDO:0012928, OMIM 612539.
Spastic paraplegia. Identifiers: MedGen C0037772, HP:0001258.
Hereditary spastic paraplegia. Also called: Familial spastic paraparesis. Identifiers: Orphanet 685, MedGen C0037773, MONDO:0019064. Disease mechanism: loss of function.

Allele frequency attached by ClinVar (database versions not stated): 1000 Genomes Project 0.00060; 1000 Genomes Project 30x 0.00062; ExAC 0.00162; gnomAD exomes 0.00180 and 0.00365; TOPMed 0.00218; ESP Exome Variant Server 0.00246; gnomAD 0.00255 and 0.00267.

Submissions (9):

CeGaT Center for Human Genetics Tuebingen
Classification: Likely benign. Last evaluated: 2026-08-01. Review status: criteria provided, single submitter. Criteria: CeGaT Center For Human Genetics Tuebingen Variant Classification Criteria Version 2. Collection method: clinical testing. Allele origin: germline. Affected: yes. Observed: 9 variant alleles.
Comment: SLC33A1: BS2

Labcorp Genetics (formerly Invitae), Labcorp
Classification: Likely benign for Spastic paraplegia. Last evaluated: 2026-01-26. Review status: criteria provided, single submitter. Criteria: Invitae Variant Classification Sherloc (09022015). Collection method: clinical testing. Allele origin: germline.

Blueprint Genetics
Classification: Likely benign. Last evaluated: 2024-11-14. Review status: criteria provided, single submitter. Criteria: ACMG Guidelines, 2015. Collection method: clinical testing. Allele origin: germline.

Genome Diagnostics Laboratory, The Hospital for Sick Children
Classification: Likely benign for Hereditary spastic paraplegia. Last evaluated: 2021-03-16. Review status: criteria provided, single submitter. Criteria: ACMG Guidelines, 2015. Collection method: clinical testing. Allele origin: germline. Affected: yes.

GeneDx
Classification: Benign. Last evaluated: 2020-09-02. Review status: criteria provided, single submitter. Criteria: GeneDx Variant Classification Process June 2021. Collection method: clinical testing. Allele origin: germline. Affected: yes.
Comment: This variant is associated with the following publications: (PMID: 24583203)

Athena Diagnostics
Classification: Benign. Last evaluated: 2020-05-29. Review status: criteria provided, single submitter. Criteria: Athena Diagnostics Criteria. Collection method: clinical testing. Allele origin: unknown.

Mayo Clinic Laboratories, Mayo Clinic
Classification: Benign. Last evaluated: 2019-09-06. Review status: criteria provided, single submitter. Criteria: ACMG Guidelines, 2015. Collection method: clinical testing. Allele origin: germline. Observed: 5 variant alleles.

Centre for Mendelian Genomics, University Medical Centre Ljubljana
Classification: Benign for Hereditary spastic paraplegia 42. Last evaluated: 2018-10-31. Review status: criteria provided, single submitter. Criteria: ACMG Guidelines, 2015. Collection method: clinical testing. Allele origin: unknown. Affected: yes.
Comment: This variant was classified as: Benign. The following ACMG criteria were applied in classifying this variant: BS1,BS2.

Center for Pediatric Genomic Medicine, Children's Mercy Hospital and Clinics
Classification: Uncertain significance. Last evaluated: 2016-12-29. Review status: criteria provided, single submitter. Criteria: ACMG Guidelines, 2015. Collection method: clinical testing. Allele origin: germline.
ClinVar note: Converted during submission from Uncertain Significance to Uncertain significance.

Literature cited by the submitters: PubMed 24583203 (cited by Athena Diagnostics).